The following is an entry in ClinVar:

ClinVar aggregate classification (germline): Uncertain significance (1 of 4 stars; one submission).

Allele frequency attached by ClinVar (database versions not stated): gnomAD exomes below 0.00001 and 0.00001; ExAC 0.00002.
gnomAD v4.1: 2 of 1,613,514 alleles (0.00012%); highest among the groups gnomAD compares: Non-Finnish European, 0.00017%; no homozygotes.

Submission:

Labcorp Genetics (formerly Invitae), Labcorp
Classification: Uncertain significance. Last evaluated: 2021-10-14. Review status: criteria provided, single submitter. Criteria: Invitae Variant Classification Sherloc (09022015). Collection method: clinical testing. Allele origin: germline.
Comment: In summary, the available evidence is currently insufficient to determine the role of this variant in disease. Therefore, it has been classified as a Variant of Uncertain Significance. Algorithms developed to predict the effect of missense changes on protein structure and function (SIFT, PolyPhen-2, Align-GVGD) all suggest that this variant is likely to be disruptive. This variant has not been reported in the literature in individuals affected with ADAM9-related conditions. The frequency data for this variant in the population databases is considered unreliable, as metrics indicate poor data quality at this position in the ExAC database. This sequence change replaces glutamic acid with aspartic acid at codon 289 of the ADAM9 protein (p.Glu289Asp). The glutamic acid residue is highly conserved and there is a small physicochemical difference between glutamic acid and aspartic acid.

NM_003816.3(ADAM9):c.867A>T (p.Glu289Asp)

Gene: ADAM9 (ADAM metallopeptidase domain 9; plus strand). Cytogenetic location: 8p11.22.
Variant type: single nucleotide variant.
Coding change: c.867A>T on transcript NM_003816.3 (MANE Select); coding-DNA position 867, A replaced by T.
Protein change: p.Glu289Asp; replaces glutamic acid 289 with aspartic acid.
Molecular consequence: missense variant. On other transcripts: non-coding transcript variant (3).
Genome position (GRCh38, 1-based): chr8:39,023,278, A>T. VCF-style: chr8-39023278-A-T. GRCh37 (hg19) VCF-style: chr8-38880797-A-T.
Other names: short protein forms E289D.
Identifiers: ClinVar variation 1387053 (VCV001387053.6), dbSNP rs776143464, ClinGen allele CA4721463.
Genomic context (GRCh38, chr8:39,023,278, plus strand): 5'-CCTGATCAACATAGTTGGGGGTGCTGGTGATGTGCTGGGGAACTTCGTGCAGTGGCGGGA[A>T]AAGTTTCTTATCACACGTCGGAGACATGACAGTGCACAGCTAGTTCTGTAAGTATTTTTT-3'
Protein context (NP_003807.1, residues 279-299): DVLGNFVQWR[Glu289Asp]KFLITRRRHD